The following is an entry in ClinVar:

NM_002439.5(MSH3):c.2977A>T (p.Thr993Ser)

Gene: MSH3 (mutS homolog 3; plus strand). Cytogenetic location: 5q14.1.
Variant type: single nucleotide variant.
Coding change: c.2977A>T on transcript NM_002439.5 (MANE Select); coding-DNA position 2977, A replaced by T.
Protein change: p.Thr993Ser; replaces threonine 993 with serine.
Molecular consequence: missense variant.
Genome position (GRCh38, 1-based): chr5:80,854,293, A>T. VCF-style: chr5-80854293-A-T. GRCh37 (hg19) VCF-style: chr5-80150112-A-T.
Other names: short protein forms T993S.
Identifiers: ClinVar variation 1014829 (VCV001014829.8), dbSNP rs755228303, ClinGen allele CA360275813.

ClinVar aggregate classification (germline): Uncertain significance (1 of 4 stars; one submission).

Submission:

Labcorp Genetics (formerly Invitae), Labcorp
Classification: Uncertain significance. Last evaluated: 2020-08-20. Review status: criteria provided, single submitter. Criteria: Invitae Variant Classification Sherloc (09022015). Collection method: clinical testing. Allele origin: germline.
Comment: This variant is not present in population databases (ExAC no frequency). This sequence change replaces threonine with serine at codon 993 of the MSH3 protein (p.Thr993Ser). The threonine residue is moderately conserved and there is a small physicochemical difference between threonine and serine. This variant has not been reported in the literature in individuals with MSH3-related conditions. In summary, the available evidence is currently insufficient to determine the role of this variant in disease. Therefore, it has been classified as a Variant of Uncertain Significance. Algorithms developed to predict the effect of missense changes on protein structure and function are either unavailable or do not agree on the potential impact of this missense change (SIFT: "Tolerated"; PolyPhen-2: "Probably Damaging"; Align-GVGD: "Class C0").